The following is an entry in ClinVar:

ClinVar aggregate classification (germline): Pathogenic/Likely pathogenic. Review status: criteria provided, multiple submitters, no conflicts (2 of 4 stars). 2 submissions from 2 submitters: Pathogenic (1); Likely pathogenic (1). Last evaluated 2025-12-31.

Conditions:
Inborn genetic diseases. Identifiers: MedGen C0950123, MeSH D030342.
Juvenile nephropathic cystinosis. Also called: Intermediate Cystinosis; CYSTINOSIS, LATE-ONSET JUVENILE OR ADOLESCENT NEPHROPATHIC TYPE; Later-Onset (Juvenile) Cystinosis. Identifiers: Orphanet 213, Orphanet 411634, MedGen C0268626, MONDO:0009066, OMIM 219900.
Ocular cystinosis. Also called: Non-Nephropathic Cystinosis; Non-Nephropathic (Ocular) Cystinosis. Identifiers: Orphanet 213, Orphanet 411641, MedGen C2931013, MONDO:0009064, OMIM 219750.
Renal tubulopathies.

Submissions (2):

Genetics Laboratory, Great Ormond Street Hospital NHS Foundation Trust, North Thames Genomic Laboratory Hub
Classification: Likely pathogenic for Renal tubulopathies. Last evaluated: 2025-12-31. Review status: criteria provided, single submitter. Criteria: ACGS Best Practice Guidelines for Variant Classification in Rare Disease 2024 v1.2. Collection method: clinical testing. Allele origin: germline. Affected: yes.
Comment: PM2_moderate, PVS1_strong, PM3_moderate

Labcorp Genetics (formerly Invitae), Labcorp
Classification: Pathogenic for Inborn genetic diseases; Ocular cystinosis; Juvenile nephropathic cystinosis. Last evaluated: 2022-06-09. Review status: criteria provided, single submitter. Criteria: Invitae Variant Classification Sherloc (09022015). Collection method: clinical testing. Allele origin: germline.
Comment: This variant is not present in population databases (gnomAD no frequency). This variant has not been reported in the literature in individuals affected with CTNS-related conditions. For these reasons, this variant has been classified as Pathogenic. This sequence change creates a premature translational stop signal (p.Phe9Leufs*6) in the CTNS gene. It is expected to result in an absent or disrupted protein product. Loss-of-function variants in CTNS are known to be pathogenic (PMID: 9537412, 27102039).

Literature cited by the submitters: PubMed 9537412 (cited by Labcorp Genetics (formerly Invitae), Labcorp); PubMed 27102039 (cited by Labcorp Genetics (formerly Invitae), Labcorp).

NM_004937.3(CTNS):c.27del (p.Phe9fs)

Gene: CTNS (cystinosin, lysosomal cystine transporter; plus strand). Cytogenetic location: 17p13.2.
Variant type: Deletion.
Coding change: c.27del on transcript NM_004937.3 (MANE Select); coding-DNA position 27, one base deleted (T; older notation c.27delT).
Protein change: p.Phe9fs; shifts the reading frame from phenylalanine 9.
Molecular consequence: frameshift variant. On other transcripts: 5 prime UTR variant (2), intron variant (2).
Genome position (GRCh38, 1-based): chr17:3,640,233, T deleted; the last of 5 consecutive T bases (chr17:3,640,229-3,640,233); deleting any one gives the same sequence. VCF-style (leftmost placement, unchanged base first): chr17-3640228-AT-A. GRCh37 (hg19) VCF-style: chr17-3543522-AT-A.
Other names: c.27del, p.Phe9fs (NM_001031681.3, NM_001374492.1); c.-330del (NM_001374493.1); c.-251del (NM_001374495.1); c.-381+2917del (NM_001374494.1); c.-296+2917del (NM_001374496.1); short protein forms F9fs.
Identifiers: ClinVar variation 1454306 (VCV001454306.9), dbSNP rs2150888913, ClinGen allele CA2573153065.